The following is an entry in ClinVar:

NM_005263.5(GFI1):c.941G>A (p.Cys314Tyr)

Gene: GFI1 (growth factor independent 1 transcriptional repressor; minus strand). Cytogenetic location: 1p22.1.
Variant type: single nucleotide variant.
Coding change: c.941G>A on transcript NM_005263.5 (MANE Select); coding-DNA position 941, G replaced by A.
Protein change: p.Cys314Tyr; replaces cysteine 314 with tyrosine.
Molecular consequence: missense variant.
Genome position (GRCh38, 1-based): chr1:92,478,737, C>T on the plus strand (G>A on the coding strand, the complement: GFI1 is on the minus strand). VCF-style: chr1-92478737-C-T. GRCh37 (hg19) VCF-style: chr1-92944294-C-T.
Other names: c.941G>A, p.Cys314Tyr (NM_001127215.3, NM_001127216.3); short protein forms C314Y.
Identifiers: ClinVar variation 4858020 (VCV004858020.1).

ClinVar aggregate classification (germline): Uncertain significance (1 of 4 stars; one submission).

Submission:

Ambry Genetics
Classification: Uncertain significance. Last evaluated: 2026-03-20. Review status: criteria provided, single submitter. Criteria: Ambry Variant Classification Scheme 2023. Collection method: clinical testing. Allele origin: germline.
Comment: The p.C314Y variant (also known as c.941G>A), located in coding exon 5 of the GFI1 gene, results from a G to A substitution at nucleotide position 941. The cysteine at codon 314 is replaced by tyrosine, an amino acid with highly dissimilar properties. This amino acid position is conserved. In addition, this alteration is predicted to be deleterious by in silico analysis. Based on the available evidence, the clinical significance of this variant remains unclear.